The following is an entry in ClinVar:

ClinVar aggregate classification (germline): Uncertain significance. Review status: criteria provided, multiple submitters, no conflicts (2 of 4 stars). 3 submissions from 3 submitters: Uncertain significance (3). Last evaluated 2025-01-03.

Conditions:
Inborn genetic diseases. Identifiers: MedGen C0950123, MeSH D030342.

Allele frequency attached by ClinVar (database versions not stated): gnomAD exomes 0.00002; ExAC 0.00004; gnomAD 0.00012; TOPMed 0.00016; 1000 Genomes Project 0.00060; 1000 Genomes Project 30x 0.00062.
gnomAD v4.1: 50 of 1,613,822 alleles (0.0031%); highest among the groups gnomAD compares: African/African-American, 0.028%; no homozygotes.

Submissions (3):

Ambry Genetics
Classification: Uncertain significance for Inborn genetic diseases. Last evaluated: 2025-01-03. Review status: criteria provided, single submitter. Criteria: Ambry Variant Classification Scheme 2023. Collection method: clinical testing. Allele origin: germline.

Labcorp Genetics (formerly Invitae), Labcorp
Classification: Uncertain significance. Last evaluated: 2023-07-10. Review status: criteria provided, single submitter. Criteria: Invitae Variant Classification Sherloc (09022015). Collection method: clinical testing. Allele origin: germline.
Comment: This sequence change replaces aspartic acid, which is acidic and polar, with asparagine, which is neutral and polar, at codon 271 of the PISD protein (p.Asp271Asn). This variant is present in population databases (rs551115207, gnomAD 0.05%). This variant has not been reported in the literature in individuals affected with PISD-related conditions. ClinVar contains an entry for this variant (Variation ID: 2195305). Advanced modeling of protein sequence and biophysical properties (such as structural, functional, and spatial information, amino acid conservation, physicochemical variation, residue mobility, and thermodynamic stability) performed at Invitae indicates that this missense variant is not expected to disrupt PISD protein function. In summary, the available evidence is currently insufficient to determine the role of this variant in disease. Therefore, it has been classified as a Variant of Uncertain Significance.

Blueprint Genetics
Classification: Uncertain significance. Last evaluated: 2022-11-14. Review status: criteria provided, single submitter. Criteria: ACMG Guidelines, 2015. Collection method: clinical testing. Allele origin: germline.

NM_001326411.2(PISD):c.811G>A (p.Asp271Asn)

Gene: PISD (phosphatidylserine decarboxylase; minus strand). Cytogenetic location: 22q12.2.
Variant type: single nucleotide variant.
Coding change: c.811G>A on transcript NM_001326411.2 (MANE Select); coding-DNA position 811, G replaced by A.
Protein change: p.Asp271Asn; replaces aspartic acid 271 with asparagine.
Molecular consequence: missense variant.
Genome position (GRCh38, 1-based): chr22:31,621,029, C>T on the plus strand (G>A on the coding strand, the complement: PISD is on the minus strand). VCF-style: chr22-31621029-C-T. GRCh37 (hg19) VCF-style: chr22-32017015-C-T.
Other names: c.811G>A, p.Asp271Asn (NM_001326421.1); c.709G>A, p.Asp237Asn (NM_014338.4, NM_178022.2, NM_001326415.2 and 3 more transcripts); c.748G>A, p.Asp250Asn (NM_001326412.1, NM_001326413.2, NM_001326414.2); c.631G>A, p.Asp211Asn (NM_001326418.2, NM_001326420.2); c.709G>A (NM_014338.3); short protein forms D211N, D271N, D250N, D237N.
Identifiers: ClinVar variation 2195305 (VCV002195305.4), dbSNP rs551115207, ClinGen allele CA10194652.